The following is an entry in ClinVar:

NM_181078.3(IL21R):c.1003C>A (p.Gln335Lys)

Genes: IL21R (interleukin 21 receptor; plus strand), IL21R-AS1 (IL21R antisense RNA 1; minus strand), LOC130058712 (ATAC-STARR-seq lymphoblastoid active region 10626; plus strand). Cytogenetic location: 16p12.1.
Variant type: single nucleotide variant.
Coding change: c.1003C>A on transcript NM_181078.3 (MANE Select); coding-DNA position 1003, C replaced by A.
Protein change: p.Gln335Lys; replaces glutamine 335 with lysine.
Molecular consequence: missense variant. On other transcripts: non-coding transcript variant (1).
Genome position (GRCh38, 1-based): chr16:27,448,669, C>A. VCF-style: chr16-27448669-C-A. GRCh37 (hg19) VCF-style: chr16-27459990-C-A.
Other names: c.1003C>A, p.Gln335Lys (NM_021798.4); c.1069C>A, p.Gln357Lys (NM_181079.5); short protein forms Q357K, Q335K.
Identifiers: ClinVar variation 1503090 (VCV001503090.8), dbSNP rs954730051, ClinGen allele CA279702013.

ClinVar aggregate classification (germline): Uncertain significance (1 of 4 stars; one submission).

Conditions:
Cryptosporidiosis-chronic cholangitis-liver disease syndrome. Also called: IL21R immunodeficiency; Immunodeficiency type 56. Identifiers: Orphanet 357329, MedGen C3554687, MONDO:0014082, OMIM 615207.

Allele frequency attached by ClinVar (database versions not stated): TOPMed 0.00001.
gnomAD v4.1: 1 of 1,613,138 alleles (0.000062%); highest among the groups gnomAD compares: African/African-American, 0.0013%; no homozygotes.

Submission:

Labcorp Genetics (formerly Invitae), Labcorp
Classification: Uncertain significance for Cryptosporidiosis-chronic cholangitis-liver disease syndrome. Last evaluated: 2021-07-02. Review status: criteria provided, single submitter. Criteria: Invitae Variant Classification Sherloc (09022015). Collection method: clinical testing. Allele origin: germline.
Comment: In summary, the available evidence is currently insufficient to determine the role of this variant in disease. Therefore, it has been classified as a Variant of Uncertain Significance. Algorithms developed to predict the effect of missense changes on protein structure and function (SIFT, PolyPhen-2, Align-GVGD) all suggest that this variant is likely to be tolerated. This sequence change replaces glutamine with lysine at codon 335 of the IL21R protein (p.Gln335Lys). The glutamine residue is weakly conserved and there is a small physicochemical difference between glutamine and lysine. This variant is not present in population databases (ExAC no frequency). This variant has not been reported in the literature in individuals affected with IL21R-related conditions.